The following is an entry in ClinVar:

ClinVar aggregate classification (germline): Benign. Review status: criteria provided, multiple submitters, no conflicts (2 of 4 stars). 3 submissions from 3 submitters: Benign (2). 1 of the submissions does not count toward it. Last evaluated 2018-08-01.

Conditions:
ECE1-related disorder. Also called: ECE1-related condition.

Allele frequency attached by ClinVar (database versions not stated): gnomAD 0.00021 and 0.00042; TOPMed 0.00037; gnomAD exomes 0.00067 and 0.00118; ExAC 0.00126; 1000 Genomes Project 30x 0.00234; 1000 Genomes Project 0.00260.
gnomAD v4.1: 1,057 of 1,614,158 alleles (0.065%); highest among the groups gnomAD compares: South Asian, 0.76%; 8 homozygotes.

Submissions (3):

Labcorp Genetics (formerly Invitae), Labcorp
Classification: Benign. Last evaluated: 2018-08-01. Review status: criteria provided, single submitter. Criteria: Invitae Variant Classification Sherloc (09022015). Collection method: clinical testing. Allele origin: germline.

Breakthrough Genomics
Classification: Benign. Review status: criteria provided, single submitter. Criteria: ACMG Guidelines, 2015. Collection method: not provided. Allele origin: germline. Inheritance: Autosomal dominant inheritance. Affected: yes.

PreventionGenetics, part of Exact Sciences
Classification: Benign for ECE1-related condition. Last evaluated: 2024-05-30. Review status: no assertion criteria provided. Collection method: clinical testing. Allele origin: germline. Not counted in ClinVar's aggregate classification.
Comment: This variant is classified as benign based on ACMG/AMP sequence variant interpretation guidelines (Richards et al. 2015 PMID: 25741868, with internal and published modifications).

NM_001397.3(ECE1):c.1190A>G (p.Asn397Ser)

Gene: ECE1 (endothelin converting enzyme 1; minus strand). Cytogenetic location: 1p36.12.
Variant type: single nucleotide variant.
Coding change: c.1190A>G on transcript NM_001397.3 (MANE Select); coding-DNA position 1190, A replaced by G.
Protein change: p.Asn397Ser; replaces asparagine 397 with serine.
Molecular consequence: missense variant.
Genome position (GRCh38, 1-based): chr1:21,245,077, T>C on the plus strand (A>G on the coding strand, the complement: ECE1 is on the minus strand). VCF-style: chr1-21245077-T-C. GRCh37 (hg19) VCF-style: chr1-21571570-T-C.
Other names: c.1154A>G, p.Asn385Ser (NM_001113347.2); c.1142A>G, p.Asn381Ser (NM_001113348.2); c.1181A>G, p.Asn394Ser (NM_001113349.2); short protein forms N385S, N397S, N381S, N394S.
Identifiers: ClinVar variation 760868 (VCV000760868.5), dbSNP rs145301395, ClinGen allele CA665228.